The following is an entry in ClinVar:

NC_000005.9:g.(?_70895476)_(70900305_?)dup

Gene: MCCC2 (methylcrotonyl-CoA carboxylase subunit 2; plus strand). Cytogenetic location: 5q13.2.
Variant type: Duplication.
Identifiers: ClinVar variation 2426737 (VCV002426737.3).

ClinVar aggregate classification (germline): Pathogenic (1 of 4 stars; one submission).

Conditions:
3-methylcrotonyl-CoA carboxylase 2 deficiency. Also called: METHYLCROTONYLGLYCINURIA, TYPE II; 3 alpha methylcrotonyl-CoA carboxylase 2 deficiency; 3 alpha methylcrotonylglycinuria 2; MCC 2 deficiency; Methylcrotonylglycinuria type 2. Identifiers: Orphanet 6, MedGen C1859499, MONDO:0008862, OMIM 210210.

Submission:

Labcorp Genetics (formerly Invitae), Labcorp
Classification: Pathogenic for 3-methylcrotonyl-CoA carboxylase 2 deficiency. Last evaluated: 2022-06-28. Review status: criteria provided, single submitter. Criteria: Invitae Variant Classification Sherloc (09022015). Collection method: clinical testing. Allele origin: germline.
Comment: This variant results in a copy number gain of the genomic region encompassing exon(s) 4-6 of the MCCC2 gene. While the exact position of this variant cannot be determined from the data, sub-genic copy number gains are generally in tandem (PMID: 25640679). This variant is predicted to be out-of-frame, and may result in an absent or disrupted protein product. Loss-of-function variants in MCCC2 are known to be pathogenic (PMID: 11181649, 22642865). A similar copy number variant has been observed in individual(s) with clinical features of 3-methylcrotonyl-CoA carboxylase deficiency (Invitae). In at least one individual the data is consistent with being in trans (on the opposite chromosome) from a pathogenic variant. For these reasons, this variant has been classified as Pathogenic.

Literature cited by the submitters: PubMed 25640679; PubMed 11181649; PubMed 22642865.